The following is an entry in ClinVar:

ClinVar aggregate classification (germline): Benign (1 of 4 stars; one submission).

Submission:

GeneDx
Classification: Benign. Last evaluated: 2012-09-07. Review status: criteria provided, single submitter. Criteria: GeneDx Variant Classification (06012015). Collection method: clinical testing. Allele origin: germline. Affected: yes.
Comment: The variant is found in EPILEPSY panel(s).

NM_000702.4(ATP1A2):c.13-13del

Gene: ATP1A2 (ATPase Na+/K+ transporting subunit alpha 2; plus strand). Cytogenetic location: 1q23.2.
Variant type: Deletion.
Coding change: c.13-13del on transcript NM_000702.4 (MANE Select); 13 bases into the intron before coding-DNA position 13, one base deleted (C; older notation c.13-13delC).
Molecular consequence: intron variant.
Genome position (GRCh38, 1-based): chr1:160,120,893, C deleted; the last of 3 consecutive C bases (chr1:160,120,891-160,120,893); deleting any one gives the same sequence. VCF-style (leftmost placement, unchanged base first): chr1-160120890-TC-T. GRCh37 (hg19) VCF-style: chr1-160090680-TC-T.
Other names: c.13-14delC (NM_000702.3).
Identifiers: ClinVar variation 204880 (VCV000204880.1), dbSNP rs796052275, ClinGen allele CA313263.
Genomic context (GRCh38, chr1:160,120,890, plus strand): 5'-TCCCTGGCTGAGTGGTGGGAATGGAGGCCCCAGCCCCTCTCTTCCCTGACTCTCTGGCTC[TC>T]CCTTCCTCCCTCAGGCTGGCCGTGAGTACTCACCTGCCGCCACCACGGCAGAGAATGGGG-3'